The following is an entry in ClinVar:

NM_001019.5(RPS15A):c.108G>C (p.Arg36=)

Gene: RPS15A (ribosomal protein S15a; minus strand). Cytogenetic location: 16p12.3.
Variant type: single nucleotide variant.
Coding change: c.108G>C on transcript NM_001019.5 (MANE Select); coding-DNA position 108, G replaced by C.
Protein change: p.Arg36=; no amino-acid change (arginine 36 retained).
Molecular consequence: synonymous variant.
Genome position (GRCh38, 1-based): chr16:18,789,006, C>G on the plus strand (G>C on the coding strand, the complement: RPS15A is on the minus strand). VCF-style: chr16-18789006-C-G. GRCh37 (hg19) VCF-style: chr16-18800328-C-G.
Other names: c.108G>C, p.Arg36= (NM_001030009.2).
Identifiers: ClinVar variation 2646267 (VCV002646267.27), dbSNP rs371943944, ClinGen allele CA7929341.

ClinVar aggregate classification (germline): Likely benign. Review status: criteria provided, multiple submitters, no conflicts (2 of 4 stars). 2 submissions from 2 submitters: Likely benign (2). Last evaluated 2025-07-30.

Allele frequency attached by ClinVar (database versions not stated): TOPMed 0.00002; gnomAD 0.00004.
gnomAD v4.1: 141 of 1,613,416 alleles (0.0087%); highest among the groups gnomAD compares: South Asian, 0.053%; 3 homozygotes.

Submissions (2):

Labcorp Genetics (formerly Invitae), Labcorp
Classification: Likely benign. Last evaluated: 2025-07-30. Review status: criteria provided, single submitter. Criteria: Invitae Variant Classification Sherloc (09022015). Collection method: clinical testing. Allele origin: germline.

CeGaT Center for Human Genetics Tuebingen
Classification: Likely benign. Last evaluated: 2022-12-01. Review status: criteria provided, single submitter. Criteria: CeGaT Center For Human Genetics Tuebingen Variant Classification Criteria Version 2. Collection method: clinical testing. Allele origin: germline. Affected: yes. Observed: 2 variant alleles.
Comment: RPS15A: BP4, BP7